The following is an entry in ClinVar:

ClinVar aggregate classification (germline): Pathogenic. Review status: reviewed by expert panel (3 of 4 stars). 2 submissions from 2 submitters: Pathogenic (1). 1 of the submissions does not count toward it. Last evaluated 2016-10-18.

Conditions:
Breast-ovarian cancer, familial, susceptibility to, 2 (BROVCA2). Also called: BRCA2 Hereditary Breast and Ovarian Cancer. Identifiers: Orphanet 145, MedGen C2675520, MONDO:0012933, OMIM 612555. Disease mechanism: loss of function.

Submissions (2):

Evidence-based Network for the Interpretation of Germline Mutant Alleles (ENIGMA)
Classification: Pathogenic for Breast-ovarian cancer, familial, susceptibility to, 2. Last evaluated: 2016-10-18. Review status: reviewed by expert panel. Criteria: ENIGMA BRCA1/2 Classification Criteria (2015). Collection method: curation. Allele origin: germline.
Comment: Variant allele predicted to encode a truncated non-functional protein.

Consortium of Investigators of Modifiers of BRCA1/2 (CIMBA), c/o University of Cambridge
Classification: Pathogenic for Breast-ovarian cancer, familial, susceptibility to, 2. Last evaluated: 2015-10-02. Review status: criteria provided, single submitter. Criteria: CIMBA Mutation Classification guidelines May 2016. Collection method: clinical testing. Allele origin: germline. Not counted in ClinVar's aggregate classification.

NM_000059.4(BRCA2):c.5350_5351dup (p.Asn1784fs)

Gene: BRCA2 (BRCA2 DNA repair associated; plus strand). Cytogenetic location: 13q13.1.
Variant type: Duplication.
Coding change: c.5350_5351dup on transcript NM_000059.4 (MANE Select); coding-DNA positions 5350 to 5351, 2 bases duplicated (AA; older notation c.5350_5351dupAA).
Protein change: p.Asn1784fs; shifts the reading frame from asparagine 1784.
Molecular consequence: frameshift variant.
Genome position (GRCh38, 1-based): chr13:32,339,705-32,339,706, AA duplicated; duplicating any 2 consecutive bases within chr13:32,339,700-32,339,706 gives the same sequence; the c. name uses the placement nearest the transcript's 3' end. VCF-style (leftmost placement, unchanged base first): chr13-32339699-C-CAA. GRCh37 (hg19) VCF-style: chr13-32913836-C-CAA.
Other names: 5579insAA-ter1791; short protein forms N1784fs.
Identifiers: ClinVar variation 266873 (VCV000266873.5), dbSNP rs80359507, ClinGen allele CA10589310.